The following is an entry in ClinVar:

NM_003072.5(SMARCA4):c.2059A>G (p.Lys687Glu)

Gene: SMARCA4 (SWI/SNF related BAF chromatin remodeling complex subunit ATPase 4; plus strand). Cytogenetic location: 19p13.2.
Variant type: single nucleotide variant.
Coding change: c.2059A>G on transcript NM_003072.5 (MANE Select); coding-DNA position 2059, A replaced by G.
Protein change: p.Lys687Glu; replaces lysine 687 with glutamic acid.
Molecular consequence: missense variant. On other transcripts: non-coding transcript variant (1).
Genome position (GRCh38, 1-based): chr19:11,007,959, A>G. VCF-style: chr19-11007959-A-G. GRCh37 (hg19) VCF-style: chr19-11118635-A-G.
Other names: c.2059A>G, p.Lys687Glu (NM_001128844.3, NM_001128845.2, NM_001128846.2 and 5 more transcripts); short protein forms K687E.
Identifiers: ClinVar variation 470278 (VCV000470278.20), dbSNP rs751565055, ClinGen allele CA9203998.

ClinVar aggregate classification (germline): Conflicting classifications of pathogenicity. Review status: criteria provided, conflicting classifications (1 of 4 stars). 5 submissions from 5 submitters: Uncertain significance (4); Likely benign (1). Last evaluated 2025-12-23.

Conditions:
Hereditary cancer-predisposing syndrome. Also called: Hereditary neoplastic syndrome; Neoplastic Syndromes, Hereditary; Tumor predisposition; Hereditary Cancer Syndrome. Identifiers: Orphanet 140162, MedGen C0027672, MeSH D009386, MONDO:0015356.
Intellectual disability, autosomal dominant 16 (CSS4). Also called: COFFIN-SIRIS SYNDROME 4. Identifiers: Orphanet 1465, MedGen C3553249, MONDO:0013821, OMIM 614609.
Rhabdoid tumor predisposition syndrome 2 (RTPS2). Identifiers: Orphanet 231108, Orphanet 69077, MedGen C2750074, MONDO:0013224, OMIM 613325.

Allele frequency attached by ClinVar (database versions not stated): gnomAD exomes below 0.00001 and 0.00001; ExAC 0.00001; TOPMed 0.00001.
gnomAD v4.1: 10 of 1,613,252 alleles (0.00062%); highest among the groups gnomAD compares: South Asian, 0.0011%; no homozygotes.

Submissions (5):

Labcorp Genetics (formerly Invitae), Labcorp
Classification: Uncertain significance for Rhabdoid tumor predisposition syndrome 2. Last evaluated: 2025-12-23. Review status: criteria provided, single submitter. Criteria: Invitae Variant Classification Sherloc (09022015). Collection method: clinical testing. Allele origin: germline.
Comment: This sequence change replaces lysine, which is basic and polar, with glutamic acid, which is acidic and polar, at codon 687 of the SMARCA4 protein (p.Lys687Glu). This variant is present in population databases (rs751565055, gnomAD 0.003%). This variant has not been reported in the literature in individuals affected with SMARCA4-related conditions. ClinVar contains an entry for this variant (Variation ID: 470278). An algorithm developed to predict the effect of missense changes on protein structure and function (PolyPhen-2) suggests that this variant is likely to be tolerated. In summary, the available evidence is currently insufficient to determine the role of this variant in disease. Therefore, it has been classified as a Variant of Uncertain Significance.

Ambry Genetics
Classification: Likely benign for Hereditary cancer-predisposing syndrome. Last evaluated: 2025-01-21. Review status: criteria provided, single submitter. Criteria: Ambry Variant Classification Scheme 2023. Collection method: clinical testing. Allele origin: germline.

GeneDx
Classification: Uncertain significance. Last evaluated: 2024-08-07. Review status: criteria provided, single submitter. Criteria: GeneDx Variant Classification Process June 2021. Collection method: clinical testing. Allele origin: germline. Affected: yes.
Comment: In silico analysis indicates that this missense variant does not alter protein structure/function; Has not been previously published as pathogenic or benign to our knowledge

Baylor Genetics
Classification: Uncertain significance for Rhabdoid tumor predisposition syndrome 2. Last evaluated: 2024-02-27. Review status: criteria provided, single submitter. Criteria: ACMG Guidelines, 2015. Collection method: clinical testing. Allele origin: unknown.

Genome-Nilou Lab
Classification: Uncertain significance for Intellectual disability, autosomal dominant 16. Last evaluated: 2021-07-15. Review status: criteria provided, single submitter. Criteria: ACMG Guidelines, 2015. Collection method: clinical testing. Allele origin: germline. Affected: no.